The following is an entry in ClinVar:

NM_005633.4(SOS1):c.2156G>C (p.Gly719Ala)

Gene: SOS1 (SOS Ras/Rac guanine nucleotide exchange factor 1; minus strand). Cytogenetic location: 2p22.1.
Variant type: single nucleotide variant.
Coding change: c.2156G>C on transcript NM_005633.4 (MANE Select); coding-DNA position 2156, G replaced by C.
Protein change: p.Gly719Ala; replaces glycine 719 with alanine.
Molecular consequence: missense variant.
Genome position (GRCh38, 1-based): chr2:39,013,471, C>G on the plus strand (G>C on the coding strand, the complement: SOS1 is on the minus strand). VCF-style: chr2-39013471-C-G. GRCh37 (hg19) VCF-style: chr2-39240612-C-G.
Other names: p.G719A:GGA>GCA; NM_005633.3(SOS1):c.2156G>C; c.2135G>C, p.Gly712Ala (NM_001382394.1); c.2156G>C, p.Gly719Ala (NM_001382395.1); short protein forms G719A, G712A.
Identifiers: ClinVar variation 40698 (VCV000040698.28), dbSNP rs200794965, ClinGen allele CA297202.
Genomic context (GRCh38, chr2:39,013,471, plus strand): 5'-TGGTACTTTTATTACATATAAAACTAGGCACCTAAAAAAAAAAACATACCTCTTACTGTT[C>G]CAATAAATTCTTCCATTCGTTGCAAAAGATATGCATCTCTTTCAAAATCATAGAAGTGGT-3'
Protein context (NP_005624.2, residues 709-729): YLLQRMEEFI[Gly719Ala]TVRGKAMKKW

ClinVar aggregate classification (germline): Likely benign. Review status: reviewed by expert panel (3 of 4 stars). 8 submissions from 8 submitters: Likely benign (1). 7 of the submissions do not count toward it. Last evaluated 2017-04-18.

Conditions:
Cardiovascular phenotype. Identifiers: MedGen CN230736.
Noonan syndrome and Noonan-related syndrome. Identifiers: Orphanet 98733, MedGen C5681679, MONDO:0020297.
RASopathy. Also called: rasopathies; Noonan spectrum disorder. Identifiers: Orphanet 536391, MedGen C5555857, MONDO:0021060.
Primary dilated cardiomyopathy (DCM). Also called: Dilated Cardiomyopathy. Identifiers: Orphanet 217604, MedGen C0007193, MeSH D002311, MONDO:0005021, HP:0001644. Inheritance: Various modes of inheritance.

Allele frequency attached by ClinVar (database versions not stated): TOPMed 0.00003; gnomAD 0.00004; gnomAD exomes 0.00009 and 0.00019; ExAC 0.00031.
gnomAD v4.1: 137 of 1,604,194 alleles (0.0085%); highest among the groups gnomAD compares: Non-Finnish European, 0.0096%; no homozygotes.

Submissions (8):

ClinGen RASopathy Variant Curation Expert Panel
Classification: Likely benign for Noonan syndrome and Noonan-related syndrome. Last evaluated: 2017-04-18. Review status: reviewed by expert panel. Criteria: ClinGen RASopathy ACMG Specifications v1. Collection method: curation. Allele origin: germline. Inheritance: Autosomal dominant inheritance.
Comment: The filtering allele frequency of the c.2156G>C (p.Gly719Ala) variant in the SOS1 gene is 0.0414% (37/66598) of European chromosomes by the Exome Aggregation Consortium, which is a high enough frequency to be classified as likely benign based on thresholds defined by the ClinGen RASopathy Expert Panel (BS1; PMID:29493581)

Labcorp Genetics (formerly Invitae), Labcorp
Classification: Likely benign for RASopathy. Last evaluated: 2025-12-21. Review status: criteria provided, single submitter. Criteria: Invitae Variant Classification Sherloc (09022015). Collection method: clinical testing. Allele origin: germline. Not counted in ClinVar's aggregate classification.

Blueprint Genetics
Classification: Likely benign. Last evaluated: 2024-11-05. Review status: criteria provided, single submitter. Criteria: ACMG Guidelines, 2015. Collection method: clinical testing. Allele origin: germline. Not counted in ClinVar's aggregate classification.

Ambry Genetics
Classification: Likely benign for Cardiovascular phenotype. Last evaluated: 2022-03-09. Review status: criteria provided, single submitter. Criteria: Ambry Variant Classification Scheme 2023. Collection method: clinical testing. Allele origin: germline. Not counted in ClinVar's aggregate classification.

ARUP Laboratories, Molecular Genetics and Genomics, ARUP Laboratories
Classification: Likely benign. Last evaluated: 2021-09-30. Review status: criteria provided, single submitter. Criteria: ARUP Molecular Germline Variant Investigation Process 2021. Collection method: clinical testing. Allele origin: germline. Not counted in ClinVar's aggregate classification.

GeneDx
Classification: Likely benign. Last evaluated: 2021-03-01. Review status: criteria provided, single submitter. Criteria: GeneDx Variant Classification Process June 2021. Collection method: clinical testing. Allele origin: germline. Affected: yes. Not counted in ClinVar's aggregate classification.
Comment: This variant is associated with the following publications: (PMID: 32603605)

Genome Diagnostics Laboratory, The Hospital for Sick Children
Classification: Likely benign for Noonan syndrome and Noonan-related syndrome. Last evaluated: 2017-11-01. Review status: criteria provided, single submitter. Criteria: ACMG Guidelines, 2015. Collection method: clinical testing. Allele origin: germline. Not counted in ClinVar's aggregate classification.

University of Washington Center for Mendelian Genomics, University of Washington
Classification: Uncertain significance for dilated cardiomyopathy. Review status: no assertion criteria provided. Collection method: research. Allele origin: unknown. Affected: yes. Not counted in ClinVar's aggregate classification.

Literature cited by the submitters: PubMed 26350204 (cited by Ambry Genetics); PubMed 32603605 (cited by Ambry Genetics and University of Washington Center for Mendelian Genomics, University of Washington).